The following is an entry in ClinVar:

NM_001278116.2(L1CAM):c.1222A>G (p.Asn408Asp)

Gene: L1CAM (L1 cell adhesion molecule; minus strand). Cytogenetic location: Xq28.
Variant type: single nucleotide variant.
Coding change: c.1222A>G on transcript NM_001278116.2 (MANE Select); coding-DNA position 1222, A replaced by G.
Protein change: p.Asn408Asp; replaces asparagine 408 with aspartic acid.
Molecular consequence: missense variant.
Genome position (GRCh38, 1-based): chrX:153,869,565, T>C on the plus strand (A>G on the coding strand, the complement: L1CAM is on the minus strand). VCF-style: chrX-153869565-T-C. GRCh37 (hg19) VCF-style: chrX-153135020-T-C.
Other names: c.1222A>G, p.Asn408Asp (NM_000425.5, NM_024003.3); c.1207A>G, p.Asn403Asp (NM_001143963.2); short protein forms N403D, N408D.
Identifiers: ClinVar variation 981505 (VCV000981505.3), dbSNP rs2064747653, ClinGen allele CA415129395.

ClinVar aggregate classification (germline): Likely pathogenic (1 of 4 stars; one submission).

Conditions:
MASA syndrome. Also called: ADDUCTED THUMB WITH MENTAL RETARDATION; SPASTIC PARAPLEGIA 1, X-LINKED; MASA (Mental Retardation, Adducted Thumbs, Shuffling Gait, Aphasia) Syndrome, Including SPG1 (X-Linked Complicated Hereditary Spastic Paraplegia Type 1); MASA Syndrome (Mental Retardation, Adducted Thumbs, Shuffling Gait, and Aphasia); CRASH syndrome; CLASPED THUMB AND MENTAL RETARDATION. Identifiers: Orphanet 2466, MedGen C0795953, MONDO:0010559, OMIM 303350.

Submission:

Center for Human Genetics and Genomic Medicine, Uniklinik Rwth Aachen
Classification: Likely pathogenic for MASA syndrome. Last evaluated: 2020-10-09. Review status: criteria provided, single submitter. Criteria: ACMG Guidelines, 2015. Collection method: clinical testing. Allele origin: maternal. Inheritance: X-linked recessive inheritance. Affected: yes. Observed: 1 hemizygote.
Comment: The detected change has not yet been reported in the relevant databases (dbSNP151, gnomAD, ClinVar) or the literature. It affects a very conserved amino acid (Ensembl) and is classified bioinformatically as a disease-causing agent (SIFT, mutation button). Another amino acid exchange at the same position has already been described in the literature in connection with a hydrocephalus (Finckh et al., 2000).